The following is an entry in ClinVar:

ClinVar aggregate classification (germline): Uncertain significance. Review status: criteria provided, multiple submitters, no conflicts (2 of 4 stars). 2 submissions from 2 submitters: Uncertain significance (2). Last evaluated 2021-08-12.

Conditions:
Inborn genetic diseases. Identifiers: MedGen C0950123, MeSH D030342.
Achondrogenesis, type IA (ACG1A). Identifiers: Orphanet 932, Orphanet 93299, MedGen C0265273, MONDO:0008701, OMIM 200600.

Allele frequency attached by ClinVar (database versions not stated): gnomAD 0.00001 and 0.00003; gnomAD exomes 0.00004 and 0.00009; ExAC 0.00014.
gnomAD v4.1: 67 of 1,613,962 alleles (0.0042%); highest among the groups gnomAD compares: South Asian, 0.06%; no homozygotes.

Submissions (2):

Ambry Genetics
Classification: Uncertain significance for Inborn genetic diseases. Last evaluated: 2021-08-12. Review status: criteria provided, single submitter. Criteria: Ambry Variant Classification Scheme 2023. Collection method: clinical testing. Allele origin: germline.

Labcorp Genetics (formerly Invitae), Labcorp
Classification: Uncertain significance for Achondrogenesis, type IA. Last evaluated: 2021-04-19. Review status: criteria provided, single submitter. Criteria: Invitae Variant Classification Sherloc (09022015). Collection method: clinical testing. Allele origin: germline.
Comment: This variant has not been reported in the literature in individuals with TRIP11-related conditions. Algorithms developed to predict the effect of missense changes on protein structure and function are either unavailable or do not agree on the potential impact of this missense change (SIFT: "Not Available"; PolyPhen-2: "Possibly Damaging"; Align-GVGD: "Not Available"). In summary, the available evidence is currently insufficient to determine the role of this variant in disease. Therefore, it has been classified as a Variant of Uncertain Significance. This variant is present in population databases (rs768332653, ExAC 0.1%). This sequence change replaces lysine with glutamine at codon 419 of the TRIP11 protein (p.Lys419Gln). The lysine residue is weakly conserved and there is a small physicochemical difference between lysine and glutamine.

NM_004239.4(TRIP11):c.1255A>C (p.Lys419Gln)

Gene: TRIP11 (thyroid hormone receptor interactor 11; minus strand). Cytogenetic location: 14q32.12.
Variant type: single nucleotide variant.
Coding change: c.1255A>C on transcript NM_004239.4 (MANE Select); coding-DNA position 1255, A replaced by C.
Protein change: p.Lys419Gln; replaces lysine 419 with glutamine.
Molecular consequence: missense variant.
Genome position (GRCh38, 1-based): chr14:92,011,045, T>G on the plus strand (A>C on the coding strand, the complement: TRIP11 is on the minus strand). VCF-style: chr14-92011045-T-G. GRCh37 (hg19) VCF-style: chr14-92477389-T-G.
Other names: c.1252A>C, p.Lys418Gln (NM_001321851.1); c.1255A>C (NM_004239.3); short protein forms K419Q, K418Q.
Identifiers: ClinVar variation 1346956 (VCV001346956.8), dbSNP rs768332653, ClinGen allele CA7313981.